The following is an entry in ClinVar:

ClinVar aggregate classification (germline): Pathogenic (1 of 4 stars; one submission).

Submission:

Labcorp Genetics (formerly Invitae), Labcorp
Classification: Pathogenic. Last evaluated: 2025-02-10. Review status: criteria provided, single submitter. Criteria: Invitae Variant Classification Sherloc (09022015). Collection method: clinical testing. Allele origin: germline.
Comment: This sequence change creates a premature translational stop signal (p.Cys982*) in the ADAMTSL4 gene. It is expected to result in an absent or disrupted protein product. Loss-of-function variants in ADAMTSL4 are known to be pathogenic (PMID: 20564469, 28642162). This variant is not present in population databases (gnomAD no frequency). This variant has not been reported in the literature in individuals affected with ADAMTSL4-related conditions. For these reasons, this variant has been classified as Pathogenic.

Literature cited by the submitters: PubMed 20564469; PubMed 28642162.

NM_019032.6(ADAMTSL4):c.2946T>A (p.Cys982Ter)

Gene: ADAMTSL4 (ADAMTS like 4; plus strand). Cytogenetic location: 1q21.2.
Variant type: single nucleotide variant.
Coding change: c.2946T>A on transcript NM_019032.6 (MANE Select); coding-DNA position 2946, T replaced by A.
Protein change: p.Cys982Ter; replaces cysteine 982 with a stop codon.
Molecular consequence: nonsense.
Genome position (GRCh38, 1-based): chr1:150,559,763, T>A. VCF-style: chr1-150559763-T-A. GRCh37 (hg19) VCF-style: chr1-150532239-T-A.
Other names: c.3015T>A, p.Cys1005Ter (NM_001288608.2); c.2946T>A, p.Cys982Ter (NM_001378596.1); c.2829T>A, p.Cys943Ter (NM_001288607.2); short protein forms C982*, C1005*, C943*.
Identifiers: ClinVar variation 3639916 (VCV003639916.2).
Genomic context (GRCh38, chr1:150,559,763, plus strand): 5'-GGTTAAGGAGAATCCCGGGCCTGGCAAAGGTCTGATATGATGGCTGGGGTCGCCCCAGTG[T>A]TCTCGCTCCTGCCAAGGGGGAACGCAGACACGGGAGGTCCAGTGCCTGAGCACCAACCAG-3'